The following is an entry in ClinVar:

NM_006431.3(CCT2):c.86T>C (p.Phe29Ser)

Gene: CCT2 (chaperonin containing TCP1 subunit 2; plus strand). Cytogenetic location: 12q15.
Variant type: single nucleotide variant.
Coding change: c.86T>C on transcript NM_006431.3 (MANE Select); coding-DNA position 86, T replaced by C.
Protein change: p.Phe29Ser; replaces phenylalanine 29 with serine.
Molecular consequence: missense variant. On other transcripts: 5 prime UTR variant (1).
Genome position (GRCh38, 1-based): chr12:69,586,760, T>C. VCF-style: chr12-69586760-T-C. GRCh37 (hg19) VCF-style: chr12-69980540-T-C.
Other names: c.-56T>C (NM_001198842.2); c.86T>C (NM_006431.2); short protein forms F29S.
Identifiers: ClinVar variation 999208 (VCV000999208.9), dbSNP rs779467422, ClinGen allele CA6680455.

ClinVar aggregate classification (germline): Uncertain significance. Review status: criteria provided, multiple submitters, no conflicts (2 of 4 stars). 2 submissions from 2 submitters: Uncertain significance (2). Last evaluated 2025-09-02.

Allele frequency attached by ClinVar (database versions not stated): gnomAD 0.00001; gnomAD exomes 0.00001 and 0.00005; ExAC 0.00002; TOPMed 0.00003.
gnomAD v4.1: 16 of 1,598,798 alleles (0.001%); highest among the groups gnomAD compares: East Asian, 0.036%; no homozygotes.

Submissions (2):

Labcorp Genetics (formerly Invitae), Labcorp
Classification: Uncertain significance. Last evaluated: 2025-09-02. Review status: criteria provided, single submitter. Criteria: Invitae Variant Classification Sherloc (09022015). Collection method: clinical testing. Allele origin: germline.
Comment: This sequence change replaces phenylalanine, which is neutral and non-polar, with serine, which is neutral and polar, at codon 29 of the CCT2 protein (p.Phe29Ser). This variant is present in population databases (rs779467422, gnomAD 0.07%), and has an allele count higher than expected for a pathogenic variant. This variant has not been reported in the literature in individuals affected with CCT2-related conditions. ClinVar contains an entry for this variant (Variation ID: 999208). An algorithm developed to predict the effect of missense changes on protein structure and function (PolyPhen-2) suggests that this variant is likely to be disruptive. In summary, the available evidence is currently insufficient to determine the role of this variant in disease. Therefore, it has been classified as a Variant of Uncertain Significance.

Ambry Genetics
Classification: Uncertain significance. Last evaluated: 2024-03-20. Review status: criteria provided, single submitter. Criteria: Ambry Variant Classification Scheme 2023. Collection method: clinical testing. Allele origin: germline.